The following is an entry in ClinVar:

NM_001267550.2(TTN):c.42682+3A>G

Gene: TTN (titin; minus strand). Cytogenetic location: 2q31.2.
Variant type: single nucleotide variant.
Coding change: c.42682+3A>G on transcript NM_001267550.2 (MANE Select); 3 bases into the intron after coding-DNA position 42682, A replaced by G.
Molecular consequence: intron variant.
Genome position (GRCh38, 1-based): chr2:178,633,814, T>C on the plus strand (A>G on the coding strand, the complement: TTN is on the minus strand). VCF-style: chr2-178633814-T-C. GRCh37 (hg19) VCF-style: chr2-179498541-T-C.
Other names: c.15487+3A>G (NM_003319.4); c.16063+3A>G (NM_133437.4); c.15862+3A>G (NM_133432.3); c.34978+3A>G (NM_133378.4); c.37759+3A>G (NM_001256850.1).
Identifiers: ClinVar variation 4784816 (VCV004784816.1).

ClinVar aggregate classification (germline): Uncertain significance (1 of 4 stars; one submission).

Conditions:
Autosomal recessive limb-girdle muscular dystrophy type 2J (LGMDR10). Also called: Limb-girdle muscular dystrophy, type 2J; MUSCULAR DYSTROPHY, LIMB-GIRDLE, AUTOSOMAL RECESSIVE 10. Identifiers: Orphanet 140922, MedGen C1837342, MONDO:0012127, OMIM 608807.
Dilated cardiomyopathy 1G (CMD1G). Identifiers: Orphanet 154, MedGen C1858763, MONDO:0011400, OMIM 604145.

Submission:

Labcorp Genetics (formerly Invitae), Labcorp
Classification: Uncertain significance for Dilated cardiomyopathy 1G; Autosomal recessive limb-girdle muscular dystrophy type 2J. Last evaluated: 2025-04-23. Review status: criteria provided, single submitter. Criteria: Invitae Variant Classification Sherloc (09022015). Collection method: clinical testing. Allele origin: germline.
Comment: This sequence change falls in intron 231 of the TTN gene. It does not directly change the encoded amino acid sequence of the TTN protein. It affects a nucleotide within the consensus splice site. This variant is not present in population databases (gnomAD no frequency). This variant has not been reported in the literature in individuals affected with TTN-related conditions. Variants that disrupt the consensus splice site are a relatively common cause of aberrant splicing (PMID: 17576681, 9536098). Algorithms developed to predict the effect of sequence changes on RNA splicing suggest that this variant may disrupt the consensus splice site. This variant is located in the I band of TTN (PMID: 25589632). Non-truncating variants in this region may be clinically relevant, but have not been definitively shown to cause cardiomyopathy or neuromuscular disease (PMID: 27493940, 32778822). In summary, the available evidence is currently insufficient to determine the role of this variant in disease. Therefore, it has been classified as a Variant of Uncertain Significance.

Literature cited by the submitters: PubMed 17576681; PubMed 9536098; PubMed 25589632; PubMed 27493940; PubMed 32778822.